The following is an entry in ClinVar:

ClinVar aggregate classification (germline): Uncertain significance (1 of 4 stars; one submission).

Allele frequency attached by ClinVar (database versions not stated): TOPMed below 0.00001; ExAC 0.00001; gnomAD exomes 0.00001 and 0.00002; ESP Exome Variant Server 0.00008.
gnomAD v4.1: 35 of 1,612,692 alleles (0.0022%); highest among the groups gnomAD compares: Non-Finnish European, 0.0029%; no homozygotes.

Submission:

Labcorp Genetics (formerly Invitae), Labcorp
Classification: Uncertain significance. Last evaluated: 2025-09-02. Review status: criteria provided, single submitter. Criteria: Invitae Variant Classification Sherloc (09022015). Collection method: clinical testing. Allele origin: germline.
Comment: This sequence change replaces threonine, which is neutral and polar, with asparagine, which is neutral and polar, at codon 463 of the TYRP1 protein (p.Thr463Asn). This variant is present in population databases (rs370228098, gnomAD 0.0009%). This variant has not been reported in the literature in individuals affected with TYRP1-related conditions. ClinVar contains an entry for this variant (Variation ID: 1054579). Invitae Evidence Modeling of protein sequence and biophysical properties (such as structural, functional, and spatial information, amino acid conservation, physicochemical variation, residue mobility, and thermodynamic stability) indicates that this missense variant is not expected to disrupt TYRP1 protein function with a negative predictive value of 80%. In summary, the available evidence is currently insufficient to determine the role of this variant in disease. Therefore, it has been classified as a Variant of Uncertain Significance.

NM_000550.3(TYRP1):c.1388C>A (p.Thr463Asn)

Genes: LURAP1L-AS1 (LURAP1L antisense RNA 1; minus strand), TYRP1 (tyrosinase related protein 1; plus strand). Cytogenetic location: 9p23.
Variant type: single nucleotide variant.
Coding change: c.1388C>A on transcript NM_000550.3 (MANE Select); coding-DNA position 1388, C replaced by A.
Protein change: p.Thr463Asn; replaces threonine 463 with asparagine.
Molecular consequence: missense variant.
Genome position (GRCh38, 1-based): chr9:12,708,123, C>A. VCF-style: chr9-12708123-C-A. GRCh37 (hg19) VCF-style: chr9-12708123-C-A.
Other names: short protein forms T463N.
Identifiers: ClinVar variation 1054579 (VCV001054579.6), dbSNP rs370228098, ClinGen allele CA4985545.
Genomic context (GRCh38, chr9:12,708,123, plus strand): 5'-TCTGGCCCCCAGTCACCAACACAGAAATGTTTGTTACTGCTCCAGACAACCTGGGATACA[C>A]TTATGAAATTCAATGGCCAAGTGAGTGTTGAAAGTGTATTTTTACTGTGATAATTTCCAA-3'
Protein context (NP_000541.1, residues 453-473): FVTAPDNLGY[Thr463Asn]YEIQWPSREF